The following is an entry in ClinVar:

NM_001928.4(CFD):c.54C>G (p.Cys18Trp)

Gene: CFD (complement factor D; plus strand). Cytogenetic location: 19p13.3.
Variant type: single nucleotide variant.
Coding change: c.54C>G on transcript NM_001928.4 (MANE Select); coding-DNA position 54, C replaced by G.
Protein change: p.Cys18Trp; replaces cysteine 18 with tryptophan.
Molecular consequence: missense variant.
Genome position (GRCh38, 1-based): chr19:859,743, C>G. VCF-style: chr19-859743-C-G. GRCh37 (hg19) VCF-style: chr19-859743-C-G.
Other names: c.54C>G, p.Cys18Trp (NM_001317335.2); short protein forms C18W.
Identifiers: ClinVar variation 1912317 (VCV001912317.7), dbSNP rs1363632175, ClinGen allele CA402920456.

ClinVar aggregate classification (germline): Uncertain significance. Review status: criteria provided, multiple submitters, no conflicts (2 of 4 stars). 2 submissions from 2 submitters: Uncertain significance (2). Last evaluated 2023-05-22.

Allele frequency attached by ClinVar (database versions not stated): gnomAD 0.00001; TOPMed 0.00002.
gnomAD v4.1: 30 of 1,568,920 alleles (0.0019%); highest among the groups gnomAD compares: Non-Finnish European, 0.0025%; no homozygotes.

Submissions (2):

Ambry Genetics
Classification: Uncertain significance. Last evaluated: 2023-05-22. Review status: criteria provided, single submitter. Criteria: Ambry Variant Classification Scheme 2023. Collection method: clinical testing. Allele origin: germline.

Labcorp Genetics (formerly Invitae), Labcorp
Classification: Uncertain significance. Last evaluated: 2022-07-20. Review status: criteria provided, single submitter. Criteria: Invitae Variant Classification Sherloc (09022015). Collection method: clinical testing. Allele origin: germline.
Comment: In summary, the available evidence is currently insufficient to determine the role of this variant in disease. Therefore, it has been classified as a Variant of Uncertain Significance. Algorithms developed to predict the effect of missense changes on protein structure and function are either unavailable or do not agree on the potential impact of this missense change (SIFT: "Not Available"; PolyPhen-2: "Probably Damaging"; Align-GVGD: "Not Available"). This variant has not been reported in the literature in individuals affected with CFD-related conditions. This variant is present in population databases (no rsID available, gnomAD 0.004%). This sequence change replaces cysteine, which is neutral and slightly polar, with tryptophan, which is neutral and slightly polar, at codon 18 of the CFD protein (p.Cys18Trp).